The following is an entry in ClinVar:

NM_012469.4(PRPF6):c.2425A>G (p.Asn809Asp)

Gene: PRPF6 (pre-mRNA processing factor 6; plus strand). Cytogenetic location: 20q13.33.
Variant type: single nucleotide variant.
Coding change: c.2425A>G on transcript NM_012469.4 (MANE Select); coding-DNA position 2425, A replaced by G.
Protein change: p.Asn809Asp; replaces asparagine 809 with aspartic acid.
Molecular consequence: missense variant.
Genome position (GRCh38, 1-based): chr20:64,028,563, A>G. VCF-style: chr20-64028563-A-G. GRCh37 (hg19) VCF-style: chr20-62659916-A-G.
Other names: short protein forms N809D.
Identifiers: ClinVar variation 857795 (VCV000857795.12), dbSNP rs373071691, ClinGen allele CA9972463.

ClinVar aggregate classification (germline): Conflicting classifications of pathogenicity. Review status: criteria provided, conflicting classifications (1 of 4 stars). 3 submissions from 3 submitters: Uncertain significance (2); Benign (1). Last evaluated 2025-07-18.

Conditions:
Retinitis pigmentosa (RP). Identifiers: Orphanet 791, MedGen C0035334, MeSH D012174, MONDO:0019200, OMIM 268000. Inheritance: Autosomal dominant, autosomal recessive and X linked inheritance.

Allele frequency attached by ClinVar (database versions not stated): ExAC 0.00003; gnomAD exomes 0.00006 and 0.00007; ESP Exome Variant Server 0.00008; gnomAD 0.00009.
gnomAD v4.1: 118 of 1,612,694 alleles (0.0073%); highest among the groups gnomAD compares: African/African-American, 0.021%; no homozygotes.

Submissions (3):

Labcorp Genetics (formerly Invitae), Labcorp
Classification: Uncertain significance. Last evaluated: 2025-07-18. Review status: criteria provided, single submitter. Criteria: Invitae Variant Classification Sherloc (09022015). Collection method: clinical testing. Allele origin: germline.
Comment: This sequence change replaces asparagine, which is neutral and polar, with aspartic acid, which is acidic and polar, at codon 809 of the PRPF6 protein (p.Asn809Asp). This variant is present in population databases (rs373071691, gnomAD 0.03%). This variant has not been reported in the literature in individuals affected with PRPF6-related conditions. ClinVar contains an entry for this variant (Variation ID: 857795). Invitae Evidence Modeling of protein sequence and biophysical properties (such as structural, functional, and spatial information, amino acid conservation, physicochemical variation, residue mobility, and thermodynamic stability) indicates that this missense variant is not expected to disrupt PRPF6 protein function with a negative predictive value of 80%. In summary, the available evidence is currently insufficient to determine the role of this variant in disease. Therefore, it has been classified as a Variant of Uncertain Significance.

Blueprint Genetics
Classification: Benign. Last evaluated: 2024-08-12. Review status: criteria provided, single submitter. Criteria: ACMG Guidelines, 2015. Collection method: clinical testing. Allele origin: germline.

Illumina Laboratory Services, Illumina
Classification: Uncertain significance for Retinitis pigmentosa. Last evaluated: 2018-01-13. Review status: criteria provided, single submitter. Criteria: ICSL Variant Classification Criteria 13 December 2019. Collection method: clinical testing. Allele origin: germline.